The following is an entry in ClinVar:

NM_032199.3(ARID5B):c.3016A>G (p.Ile1006Val)

Gene: ARID5B (AT-rich interaction domain 5B; plus strand). Cytogenetic location: 10q21.2.
Variant type: single nucleotide variant.
Coding change: c.3016A>G on transcript NM_032199.3 (MANE Select); coding-DNA position 3016, A replaced by G.
Protein change: p.Ile1006Val; replaces isoleucine 1006 with valine.
Molecular consequence: missense variant.
Genome position (GRCh38, 1-based): chr10:62,092,479, A>G. VCF-style: chr10-62092479-A-G. GRCh37 (hg19) VCF-style: chr10-63852238-A-G.
Other names: c.2287A>G, p.Ile763Val (NM_001244638.2); short protein forms I1006V, I763V.
Identifiers: ClinVar variation 3429756 (VCV003429756.2).
Genomic context (GRCh38, chr10:62,092,479, plus strand): 5'-TTCAGGAAGATGGAAGGCATGGTCCACCCAATCCTGCACCGGAAAATGAGCCCGCAGAAC[A>G]TTGGGGCGGCGCGGCCGATCAAGCGCAGCCTGGAGGATTTGGACCTTGTGATTGCAGGGA-3'
Protein context (NP_115575.1, residues 996-1016): ILHRKMSPQN[Ile1006Val]GAARPIKRSL

ClinVar aggregate classification (germline): Uncertain significance. Review status: criteria provided, multiple submitters, no conflicts (2 of 4 stars). 2 submissions from 2 submitters: Uncertain significance (2). Last evaluated 2025-01-31.

Conditions:
ARID5B-related disorder. Also called: ARID5B-related condition.

gnomAD v4.1: 15 of 1,614,156 alleles (0.00093%); highest among the groups gnomAD compares: Non-Finnish European, 0.0013%; no homozygotes.

Submissions (2):

PreventionGenetics, part of Exact Sciences
Classification: Uncertain significance for ARID5B-related condition. Last evaluated: 2025-01-31. Review status: criteria provided, single submitter. Criteria: ACMG Guidelines, 2015. Collection method: clinical testing. Allele origin: germline.
Comment: The ARID5B c.3016A>G variant is predicted to result in the amino acid substitution p.Ile1006Val. To our knowledge, this variant has not been reported in the literature or in a large population database (gnomAD), indicating this variant is rare. At this time, the clinical significance of this variant is uncertain due to the absence of conclusive functional and genetic evidence.

Ambry Genetics
Classification: Uncertain significance. Last evaluated: 2024-08-01. Review status: criteria provided, single submitter. Criteria: Ambry Variant Classification Scheme 2023. Collection method: clinical testing. Allele origin: germline.